The following is an entry in ClinVar:

NM_000049.4(ASPA):c.340G>T (p.Asp114Tyr)

Genes: ASPA (aspartoacylase; plus strand), SPATA22 (spermatogenesis associated 22; minus strand). Cytogenetic location: 17p13.2.
Variant type: single nucleotide variant.
Coding change: c.340G>T on transcript NM_000049.4 (MANE Select); coding-DNA position 340, G replaced by T.
Protein change: p.Asp114Tyr; replaces aspartic acid 114 with tyrosine.
Molecular consequence: missense variant. On other transcripts: intron variant (2).
Genome position (GRCh38, 1-based): chr17:3,481,706, G>T. VCF-style: chr17-3481706-G-T. GRCh37 (hg19) VCF-style: chr17-3385000-G-T.
Other names: c.340G>T, p.Asp114Tyr (NM_001128085.1); c.-73-12308C>A (NM_001321336.2, NM_001321337.2); short protein forms D114Y.
Identifiers: ClinVar variation 555643 (VCV000555643.18), dbSNP rs1446467099, ClinGen allele CA397682289.
Genomic context (GRCh38, chr17:3,481,706, plus strand): 5'-CAAGAAATAAATCATTTATTTGGTCCAAAAGACAGTGAAGATTCCTATGACATTATTTTT[G>T]ACCTTCACAACACCACCTCTAACATGGGGTGCACTCTTATTCTTGAGGATTCCAGGAATA-3'
Protein context (NP_000040.1, residues 104-124): DSEDSYDIIF[Asp114Tyr]LHNTTSNMGC

ClinVar aggregate classification (germline): Pathogenic/Likely pathogenic. Review status: criteria provided, multiple submitters, no conflicts (2 of 4 stars). 6 submissions from 6 submitters: Pathogenic (3); Likely pathogenic (2). 1 of the submissions does not count toward it. Last evaluated 2026-01-29.

Conditions:
Canavan Disease, Familial Form. Identifiers: MedGen C0751663.
Spongy degeneration of central nervous system. Also called: Canavan disease; Von Bogaert-Bertrand disease; ACY2 DEFICIENCY; AMINOACYLASE 2 DEFICIENCY; ASP DEFICIENCY; ASPA DEFICIENCY. Identifiers: Orphanet 141, MedGen C0206307, MONDO:0010079, OMIM 271900.

Allele frequency attached by ClinVar (database versions not stated): gnomAD exomes below 0.00001; TOPMed 0.00001.
gnomAD v4.1: 3 of 1,613,774 alleles (0.00019%); highest among the groups gnomAD compares: South Asian, 0.0011%; no homozygotes.

Submissions (6):

Natera, Inc.
Classification: Likely pathogenic for Canavan Disease. Last evaluated: 2026-01-29. Review status: criteria provided, single submitter. Criteria: Natera Variant Classification Schema (03/2026). Collection method: clinical testing. Allele origin: germline.
Comment: The c.340G>T variant in ASPA is a missense variant predicted to cause substitution of aspartic acid to tyrosine at amino acid 114. This variant is rare in the general population with a frequency below the threshold expected for the associated phenotype(s). This variant has been observed in one or more individuals affected with the associated recessive disease, as either homozygous or compound heterozygous with a second variant (PMID: 12205125). Additionally, this variant has been observed to segregate in affected family members (PMID: 12205125). A different variant at the same position has been determined to be Pathogenic or Likely Pathogenic. Computational prediction algorithms indicate this variant is likely to affect gene or protein function. Given the available evidence, this variant is classified as Likely Pathogenic.

Labcorp Genetics (formerly Invitae), Labcorp
Classification: Pathogenic for Spongy degeneration of central nervous system. Last evaluated: 2023-12-04. Review status: criteria provided, single submitter. Criteria: Invitae Variant Classification Sherloc (09022015). Collection method: clinical testing. Allele origin: germline.
Comment: This sequence change replaces aspartic acid, which is acidic and polar, with tyrosine, which is neutral and polar, at codon 114 of the ASPA protein (p.Asp114Tyr). This variant is not present in population databases (gnomAD no frequency). This missense change has been observed in individual(s) with Canavan disease (PMID: 12205125). It has also been observed to segregate with disease in related individuals. ClinVar contains an entry for this variant (Variation ID: 555643). Advanced modeling of protein sequence and biophysical properties (such as structural, functional, and spatial information, amino acid conservation, physicochemical variation, residue mobility, and thermodynamic stability) performed at Invitae indicates that this missense variant is expected to disrupt ASPA protein function with a positive predictive value of 95%. This variant disrupts the p.Asp114 amino acid residue in ASPA. Other variant(s) that disrupt this residue have been observed in individuals with ASPA-related conditions (PMID: 8659549), which suggests that this may be a clinically significant amino acid residue. For these reasons, this variant has been classified as Pathogenic.

Genome-Nilou Lab
Classification: Pathogenic for Spongy degeneration of central nervous system. Last evaluated: 2021-11-07. Review status: criteria provided, single submitter. Criteria: ACMG Guidelines, 2015. Collection method: clinical testing. Allele origin: germline. Affected: no.

Revvity Omics, Revvity
Classification: Likely pathogenic for Spongy degeneration of central nervous system. Last evaluated: 2021-08-31. Review status: criteria provided, single submitter. Criteria: ACMG Guidelines, 2015. Collection method: clinical testing. Allele origin: germline.

Women's Health and Genetics/Laboratory Corporation of America, LabCorp
Classification: Pathogenic for Canavan Disease, Familial Form. Last evaluated: 2019-11-04. Review status: criteria provided, single submitter. Criteria: LabCorp Variant Classification Summary - May 2015. Collection method: clinical testing. Allele origin: germline.
Comment: Variant summary: ASPA c.340G>T (p.Asp114Tyr) results in a non-conservative amino acid change in the encoded protein sequence. Five of five in-silico tools predict a damaging effect of the variant on protein function. The variant was absent in 251056 control chromosomes. c.340G>T has been reported in the literature in multiple individuals from families affected with Canavan Disease (Olsen_2002). These data indicate that the variant is very likely to be associated with disease. To our knowledge, no experimental evidence demonstrating an impact on protein function has been reported although a different amino acid change at the same codon (p.Asp114Glu) has been reported to abolish enzyme activity to 0.35% of controls demonstrating an importance of residue 114 for the structure/function of the ASPA protein (Kaul_1996). One clinical diagnostic laboratory has submitted clinical-significance assessments for this variant to ClinVar after 2014 without evidence for independent evaluation. One laboratory classified the variant as likely pathogenic. Based on the evidence outlined above, the variant was classified as pathogenic.

Counsyl
Classification: Likely pathogenic for Spongy degeneration of central nervous system. Last evaluated: 2017-12-18. Review status: no assertion criteria provided. Collection method: clinical testing. Allele origin: unknown. Not counted in ClinVar's aggregate classification.

Literature cited by the submitters: PubMed 12205125 (cited by 4 submitters); PubMed 8659549 (cited by Labcorp Genetics (formerly Invitae), Labcorp).